The following is an entry in ClinVar:

ClinVar aggregate classification (germline): Uncertain significance. Review status: criteria provided, multiple submitters, no conflicts (2 of 4 stars). 3 submissions from 3 submitters: Uncertain significance (3). Last evaluated 2026-07-21.

Conditions:
Nephronophthisis 15 (NPHP15). Identifiers: Orphanet 3156, MedGen C3541853, MONDO:0013917, OMIM 614845.
CEP164-related disorder. Also called: CEP164-related condition.

Allele frequency attached by ClinVar (database versions not stated): gnomAD exomes 0.00002 and 0.00003; ExAC 0.00004; gnomAD 0.00005 and 0.00007; TOPMed 0.00008; ESP Exome Variant Server 0.00015.
gnomAD v4.1: 30 of 1,613,332 alleles (0.0019%); highest among the groups gnomAD compares: African/African-American, 0.028%; no homozygotes.

Submissions (3):

PreventionGenetics, part of Exact Sciences
Classification: Uncertain significance for CEP164-related condition. Last evaluated: 2026-07-21. Review status: criteria provided, single submitter. Criteria: ACMG Guidelines, 2015. Collection method: clinical testing. Allele origin: germline.
Comment: The CEP164 c.3268T>C variant is predicted to result in the amino acid substitution p.Tyr1090His. To our knowledge, this variant has not been reported in the literature. This variant is reported in 0.036% of alleles in individuals of African descent in gnomAD. At this time, the clinical significance of this variant is uncertain due to the absence of conclusive functional and genetic evidence.

Labcorp Genetics (formerly Invitae), Labcorp
Classification: Uncertain significance for Nephronophthisis 15. Last evaluated: 2024-02-23. Review status: criteria provided, single submitter. Criteria: Invitae Variant Classification Sherloc (09022015). Collection method: clinical testing. Allele origin: germline.
Comment: This sequence change replaces tyrosine, which is neutral and polar, with histidine, which is basic and polar, at codon 1090 of the CEP164 protein (p.Tyr1090His). This variant is present in population databases (rs140470210, gnomAD 0.03%). This variant has not been reported in the literature in individuals affected with CEP164-related conditions. ClinVar contains an entry for this variant (Variation ID: 1363949). Advanced modeling of protein sequence and biophysical properties (such as structural, functional, and spatial information, amino acid conservation, physicochemical variation, residue mobility, and thermodynamic stability) performed at Invitae indicates that this missense variant is not expected to disrupt CEP164 protein function with a negative predictive value of 80%. In summary, the available evidence is currently insufficient to determine the role of this variant in disease. Therefore, it has been classified as a Variant of Uncertain Significance.

Fulgent Genetics
Classification: Uncertain significance for Nephronophthisis 15. Last evaluated: 2024-01-18. Review status: criteria provided, single submitter. Criteria: ACMG Guidelines, 2015. Collection method: clinical testing. Allele origin: germline.

NM_014956.5(CEP164):c.3268T>C (p.Tyr1090His)

Gene: CEP164 (centrosomal protein 164; plus strand). Cytogenetic location: 11q23.3.
Variant type: single nucleotide variant.
Coding change: c.3268T>C on transcript NM_014956.5 (MANE Select); coding-DNA position 3268, T replaced by C.
Protein change: p.Tyr1090His; replaces tyrosine 1090 with histidine.
Molecular consequence: missense variant.
Genome position (GRCh38, 1-based): chr11:117,396,601, T>C. VCF-style: chr11-117396601-T-C. GRCh37 (hg19) VCF-style: chr11-117267317-T-C.
Other names: c.3277T>C, p.Tyr1093His (NM_001271933.2); c.3268T>C (NM_014956.4); short protein forms Y1090H, Y1093H.
Identifiers: ClinVar variation 1363949 (VCV001363949.10), dbSNP rs140470210, ClinGen allele CA6295392.
Genomic context (GRCh38, chr11:117,396,601, plus strand): 5'-TGTCCCTAGAACCAGACCAAAGAGGTGTCTTCTTCTCTCTCCCAGAGCAAGGAGGACTTA[T>C]ACTTGGACAGGTGAGTTCCCATAGCCTGTCTTATTTGAGGTTAGGGTACCATGAAGGGGT-3'
Protein context (NP_055771.4, residues 1080-1100): SSLSQSKEDL[Tyr1090His]LDSLSSHNVW